The following is an entry in ClinVar:

ClinVar aggregate classification (germline): Benign/Likely benign. Review status: criteria provided, multiple submitters, no conflicts (2 of 4 stars). 3 submissions from 3 submitters: Benign (1); Likely benign (1). 1 of the submissions does not count toward it. Last evaluated 2026-08-01.

Conditions:
PHIP-related disorder. Also called: PHIP-related condition; PHIP-related disorders.

Allele frequency attached by ClinVar (database versions not stated): gnomAD 0.00062; gnomAD exomes 0.00085; TOPMed 0.00090; ExAC 0.00259; 1000 Genomes Project 30x 0.00297; 1000 Genomes Project 0.00319.
gnomAD v4.1: 1,337 of 1,613,994 alleles (0.083%); highest among the groups gnomAD compares: Admixed American, 0.85%; 16 homozygotes.

Submissions (3):

CeGaT Center for Human Genetics Tuebingen
Classification: Likely benign. Last evaluated: 2026-08-01. Review status: criteria provided, single submitter. Criteria: CeGaT Center For Human Genetics Tuebingen Variant Classification Criteria Version 2. Collection method: clinical testing. Allele origin: germline. Affected: yes. Observed: 6 variant alleles.
Comment: PHIP: BP4, BP7, BS2

Labcorp Genetics (formerly Invitae), Labcorp
Classification: Benign. Last evaluated: 2026-01-22. Review status: criteria provided, single submitter. Criteria: Invitae Variant Classification Sherloc (09022015). Collection method: clinical testing. Allele origin: germline.

PreventionGenetics, part of Exact Sciences
Classification: Benign for PHIP-related condition. Last evaluated: 2021-09-14. Review status: no assertion criteria provided. Collection method: clinical testing. Allele origin: germline. Not counted in ClinVar's aggregate classification.
Comment: This variant is classified as benign based on ACMG/AMP sequence variant interpretation guidelines (Richards et al. 2015 PMID: 25741868, with internal and published modifications).

NM_017934.7(PHIP):c.2148G>T (p.Leu716=)

Gene: PHIP (PHIP subunit of CUL4-Ring ligase complex; minus strand). Cytogenetic location: 6q14.1.
Variant type: single nucleotide variant.
Coding change: c.2148G>T on transcript NM_017934.7 (MANE Select); coding-DNA position 2148, G replaced by T.
Protein change: p.Leu716=; no amino-acid change (leucine 716 retained).
Molecular consequence: synonymous variant.
Genome position (GRCh38, 1-based): chr6:78,997,467, C>A on the plus strand (G>T on the coding strand, the complement: PHIP is on the minus strand). VCF-style: chr6-78997467-C-A. GRCh37 (hg19) VCF-style: chr6-79707184-C-A.
Other names: c.2148G>T (NM_017934.6).
Identifiers: ClinVar variation 2046810 (VCV002046810.19), dbSNP rs190382214, ClinGen allele CA3900023.